The following is an entry in ClinVar:

NM_000060.4:c.701C>A

Variant type: single nucleotide variant.
Other names: c.701C>A (NM_000060.4).
Identifiers: ClinVar variation 4532850 (VCV004532850.1).

ClinVar aggregate classification (germline): Uncertain significance (1 of 4 stars; one submission).

Submission:

Quest Diagnostics Nichols Institute San Juan Capistrano
Classification: Uncertain significance. Last evaluated: 2025-07-05. Review status: criteria provided, single submitter. Criteria: Quest Diagnostics criteria. Collection method: clinical testing. Allele origin: unknown.
Comment: The BTD c.701C>A (p.Thr234Asn) variant has not been reported in individuals with BTD-related conditions in the published literature. It also has not been reported in large, multi-ethnic general populations (Genome Aggregation Database). Analysis of this variant using bioinformatics tools for the prediction of the effect of amino acid changes on protein structure and function yielded predictions that this variant is damaging. Based on the available information, we are unable to determine the clinical significance of this variant.